The following is an entry in ClinVar:

ClinVar aggregate classification (germline): Uncertain significance (1 of 4 stars; one submission).

Conditions:
UGT1A1-related disorder. Also called: UGT1A1-related disorders; UGT1A1-related condition.

gnomAD v4.1: 1 of 1,614,172 alleles (0.000062%); highest among the groups gnomAD compares: Non-Finnish European, 0.000085%; no homozygotes.

Submission:

PreventionGenetics, part of Exact Sciences
Classification: Uncertain significance for UGT1A1-related condition. Last evaluated: 2024-11-11. Review status: criteria provided, single submitter. Criteria: ACMG Guidelines, 2015. Collection method: clinical testing. Allele origin: germline.
Comment: The UGT1A1 c.337T>G variant is predicted to result in the amino acid substitution p.Tyr113Asp. This variant has been reported in the homozygous state in a patient with Crigler–Najjar syndrome (Moyer et al. 2017. PubMed ID: 28213806). This variant is reported in 0.00088% of alleles in individuals of European (Non-Finnish) descent in gnomAD. At this time, the clinical significance of this variant is uncertain due to the absence of conclusive functional and genetic evidence.

NM_000463.3(UGT1A1):c.337T>G (p.Tyr113Asp)

Genes: UGT1A1 (UDP glucuronosyltransferase family 1 member A1; plus strand), UGT1A (UDP glucuronosyltransferase family 1 member A complex locus; plus strand), UGT1A10 (UDP glucuronosyltransferase family 1 member A10; plus strand), UGT1A3 (UDP glucuronosyltransferase family 1 member A3; plus strand), UGT1A4 (UDP glucuronosyltransferase family 1 member A4; plus strand) and 5 more. Cytogenetic location: 2q37.1.
Variant type: single nucleotide variant.
Coding change: c.337T>G on transcript NM_000463.3 (MANE Select); coding-DNA position 337, T replaced by G.
Protein change: p.Tyr113Asp; replaces tyrosine 113 with aspartic acid.
Molecular consequence: missense variant. On other transcripts: intron variant (9).
Genome position (GRCh38, 1-based): chr2:233,760,624, T>G. VCF-style: chr2-233760624-T-G. GRCh37 (hg19) VCF-style: chr2-234669270-T-G.
Other names: c.856-6410T>G (NM_019076.5, NM_019075.4, NM_021027.3 and 1 more transcripts); c.61-6410T>G (NM_205862.3); c.862-6410T>G (NM_001072.4); c.868-6410T>G (NM_019078.2, NM_007120.3, NM_019093.4); short protein forms Y113D.
Identifiers: ClinVar variation 4986118 (VCV004986118.1).